The following is an entry in ClinVar:

ClinVar aggregate classification (germline): Likely pathogenic (1 of 4 stars; one submission).

Conditions:
Arrhythmogenic right ventricular dysplasia 9 (ARVD9). Also called: ARRHYTHMOGENIC RIGHT VENTRICULAR DYSPLASIA, FAMILIAL, 9; Arrhythmogenic Right Ventricular Dysplasia/Cardiomyopathy 9. Identifiers: MedGen C1836906, MONDO:0012180, OMIM 609040.

Submission:

Labcorp Genetics (formerly Invitae), Labcorp
Classification: Likely pathogenic for Arrhythmogenic right ventricular dysplasia 9. Last evaluated: 2021-10-18. Review status: criteria provided, single submitter. Criteria: Invitae Variant Classification Sherloc (09022015). Collection method: clinical testing. Allele origin: germline.
Comment: In summary, the currently available evidence indicates that the variant is pathogenic, but additional data are needed to prove that conclusively. Therefore, this variant has been classified as Likely Pathogenic. This variant has not been reported in the literature in individuals affected with PKP2-related conditions. This variant results in a copy number gain of the genomic region encompassing exon(s) 5-7 of the PKP2 gene. While the exact position of this variant cannot be determined from the data, sub-genic copy number gains are generally in tandem (PMID: 25640679). This variant is predicted to be out-of-frame, and may result in an absent or disrupted protein product. Loss-of-function variants in PKP2 are known to be pathogenic (PMID: 15489853, 23911551).

Literature cited by the submitters: PubMed 25640679; PubMed 15489853; PubMed 23911551.

NC_000012.11:g.(?_32993942)_(33003927_?)dup

Gene: PKP2 (plakophilin 2; minus strand). Cytogenetic location: 12p11.21.
Variant type: Duplication.
Identifiers: ClinVar variation 1513232 (VCV001513232.4).